The following is an entry in ClinVar:

ClinVar aggregate classification (germline): Pathogenic/Likely pathogenic. Review status: criteria provided, multiple submitters, no conflicts (2 of 4 stars). 2 submissions from 2 submitters: Pathogenic (1); Likely pathogenic (1). Last evaluated 2022-08-31.

Conditions:
GPR143-related disorders.

Submissions (2):

Blueprint Genetics
Classification: Likely pathogenic for GPR143-related disorders. Last evaluated: 2022-08-31. Review status: criteria provided, single submitter. Criteria: ACMG Guidelines, 2015. Collection method: clinical testing. Allele origin: germline. Affected: yes. Observed: 1 variant allele.

Labcorp Genetics (formerly Invitae), Labcorp
Classification: Pathogenic. Last evaluated: 2022-06-17. Review status: criteria provided, single submitter. Criteria: Invitae Variant Classification Sherloc (09022015). Collection method: clinical testing. Allele origin: germline.
Comment: This sequence change creates a premature translational stop signal (p.Trp329*) in the GPR143 gene. It is expected to result in an absent or disrupted protein product. Loss-of-function variants in GPR143 are known to be pathogenic (PMID: 15965158, 18978956, 19390656, 21541274, 26160353, 28211458). This variant is not present in population databases (gnomAD no frequency). This variant has not been reported in the literature in individuals affected with GPR143-related conditions. For these reasons, this variant has been classified as Pathogenic.

Literature cited by the submitters: PubMed 15965158 (cited by Labcorp Genetics (formerly Invitae), Labcorp); PubMed 18978956 (cited by Labcorp Genetics (formerly Invitae), Labcorp); PubMed 19390656 (cited by Labcorp Genetics (formerly Invitae), Labcorp); PubMed 21541274 (cited by Labcorp Genetics (formerly Invitae), Labcorp); PubMed 26160353 (cited by Labcorp Genetics (formerly Invitae), Labcorp); PubMed 28211458 (cited by Labcorp Genetics (formerly Invitae), Labcorp).

NM_000273.3(GPR143):c.987G>A (p.Trp329Ter)

Gene: GPR143 (G protein-coupled receptor 143; minus strand). Cytogenetic location: Xp22.2.
Variant type: single nucleotide variant.
Coding change: c.987G>A on transcript NM_000273.3 (MANE Select); coding-DNA position 987, G replaced by A.
Protein change: p.Trp329Ter; replaces tryptophan 329 with a stop codon.
Molecular consequence: nonsense.
Genome position (GRCh38, 1-based): chrX:9,739,618, C>T on the plus strand (G>A on the coding strand, the complement: GPR143 is on the minus strand). VCF-style: chrX-9739618-C-T. GRCh37 (hg19) VCF-style: chrX-9707658-C-T.
Other names: short protein forms W329*.
Identifiers: ClinVar variation 2007765 (VCV002007765.5), dbSNP rs2518622570, ClinGen allele CA411995248.
Genomic context (GRCh38, chrX:9,739,618, plus strand): 5'-TTCATGGGGCATCAGTGGGGATGGGTGAGCCCCCTCAGCAGCCGAGGTGGTCAGTGATTC[C>T]CACTGGATCTCCTTCCTGGGAGACTGAAAACCCAGGCTGCATCCTGTCCAGCCGTAGAAG-3'